The following is an entry in ClinVar:

NM_005357.4(LIPE):c.535G>C (p.Glu179Gln)

Genes: LIPE (lipase E, hormone sensitive type; minus strand), LIPE-AS1 (LIPE antisense RNA 1; plus strand). Cytogenetic location: 19q13.2.
Variant type: single nucleotide variant.
Coding change: c.535G>C on transcript NM_005357.4 (MANE Select); coding-DNA position 535, G replaced by C.
Protein change: p.Glu179Gln; replaces glutamic acid 179 with glutamine.
Molecular consequence: missense variant.
Genome position (GRCh38, 1-based): chr19:42,426,615, C>G on the plus strand (G>C on the coding strand, the complement: LIPE is on the minus strand). VCF-style: chr19-42426615-C-G. GRCh37 (hg19) VCF-style: chr19-42930767-C-G.
Other names: p.Glu179Gln; short protein forms E179Q.
Identifiers: ClinVar variation 4542350 (VCV004542350.1).

ClinVar aggregate classification (germline): Uncertain significance (1 of 4 stars; one submission).

Submission:

Mayo Clinic Laboratories, Mayo Clinic
Classification: Uncertain significance. Last evaluated: 2025-02-04. Review status: criteria provided, single submitter. Criteria: ACMG Guidelines, 2015. Collection method: clinical testing. Allele origin: germline. Observed: 1 variant allele.
Comment: BP4_moderate, PM2_supporting